The following is an entry in ClinVar:

ClinVar aggregate classification (germline): Conflicting classifications of pathogenicity. Review status: criteria provided, conflicting classifications (1 of 4 stars). 2 submissions from 2 submitters: Uncertain significance (1); Likely benign (1). Last evaluated 2022-05-06.

Conditions:
Hereditary cancer-predisposing syndrome. Also called: Neoplastic Syndromes, Hereditary; Tumor predisposition; Hereditary Cancer Syndrome; Hereditary neoplastic syndrome. Identifiers: Orphanet 140162, MedGen C0027672, MeSH D009386, MONDO:0015356.
Familial adenomatous polyposis 1 (FAP1). Also called: FAMILIAL ADENOMATOUS POLYPOSIS 1, ATTENUATED; POLYPOSIS, ADENOMATOUS INTESTINAL. Identifiers: MedGen C2713442, MONDO:0021056, OMIM 175100. Disease mechanism: loss of function.

Submissions (2):

Labcorp Genetics (formerly Invitae), Labcorp
Classification: Uncertain significance for Familial adenomatous polyposis 1. Last evaluated: 2022-05-06. Review status: criteria provided, single submitter. Criteria: Invitae Variant Classification Sherloc (09022015). Collection method: clinical testing. Allele origin: germline.
Comment: In summary, the available evidence is currently insufficient to determine the role of this variant in disease. Therefore, it has been classified as a Variant of Uncertain Significance. Algorithms developed to predict the effect of missense changes on protein structure and function are either unavailable or do not agree on the potential impact of this missense change (SIFT: "Deleterious"; PolyPhen-2: "Possibly Damaging"; Align-GVGD: "Class C0"). ClinVar contains an entry for this variant (Variation ID: 482346). This variant has not been reported in the literature in individuals affected with APC-related conditions. This variant is not present in population databases (gnomAD no frequency). This sequence change replaces proline, which is neutral and non-polar, with arginine, which is basic and polar, at codon 1159 of the APC protein (p.Pro1159Arg).

Ambry Genetics
Classification: Likely benign for Hereditary cancer-predisposing syndrome. Last evaluated: 2016-04-21. Review status: criteria provided, single submitter. Criteria: Ambry Variant Classification Scheme 2023. Collection method: clinical testing. Allele origin: germline.

NM_000038.6(APC):c.3476C>G (p.Pro1159Arg)

Gene: APC (APC regulator of Wnt signaling pathway; plus strand). Cytogenetic location: 5q22.2.
Variant type: single nucleotide variant.
Coding change: c.3476C>G on transcript NM_000038.6 (MANE Select); coding-DNA position 3476, C replaced by G.
Protein change: p.Pro1159Arg; replaces proline 1159 with arginine.
Molecular consequence: missense variant.
Genome position (GRCh38, 1-based): chr5:112,839,070, C>G. VCF-style: chr5-112839070-C-G. GRCh37 (hg19) VCF-style: chr5-112174767-C-G.
Other names: c.3476C>G, p.Pro1159Arg (NM_001127510.3, NM_001354895.2); c.3422C>G, p.Pro1141Arg (NM_001127511.3); c.3530C>G, p.Pro1177Arg (NM_001354896.2); c.3506C>G, p.Pro1169Arg (NM_001354897.2); c.3401C>G, p.Pro1134Arg (NM_001354898.2); c.3392C>G, p.Pro1131Arg (NM_001354899.2); c.3353C>G, p.Pro1118Arg (NM_001354900.2); c.3299C>G, p.Pro1100Arg (NM_001354901.2); and 5 more; short protein forms P1141R, P1159R, P1068R, P1134R, P1169R, P999R, P1177R, P1033R.
Identifiers: ClinVar variation 482346 (VCV000482346.51), dbSNP rs1554085046, ClinGen allele CA16028963.